The following is an entry in ClinVar:

ClinVar aggregate classification (germline): Uncertain significance (1 of 4 stars; one submission).

Conditions:
Cardiovascular phenotype. Identifiers: MedGen CN230736.

Submission:

Ambry Genetics
Classification: Uncertain significance for Cardiovascular phenotype. Last evaluated: 2026-07-02. Review status: criteria provided, single submitter. Criteria: Ambry Variant Classification Scheme 2023. Collection method: clinical testing. Allele origin: germline.
Comment: The p.T3984N variant (also known as c.11951C>A), located in coding exon 28 of the APOB gene, results from a C to A substitution at nucleotide position 11951. The threonine at codon 3984 is replaced by asparagine, an amino acid with similar properties. This amino acid position is conserved. In addition, this alteration is predicted to be tolerated by in silico analysis. Based on the available evidence, the clinical significance of this variant remains unclear.

NM_000384.3(APOB):c.11951C>A (p.Thr3984Asn)

Gene: APOB (apolipoprotein B; minus strand). Cytogenetic location: 2p24.1.
Variant type: single nucleotide variant.
Coding change: c.11951C>A on transcript NM_000384.3 (MANE Select); coding-DNA position 11951, C replaced by A.
Protein change: p.Thr3984Asn; replaces threonine 3984 with asparagine.
Molecular consequence: missense variant.
Genome position (GRCh38, 1-based): chr2:21,004,405, G>T on the plus strand (C>A on the coding strand, the complement: APOB is on the minus strand). VCF-style: chr2-21004405-G-T. GRCh37 (hg19) VCF-style: chr2-21227277-G-T.
Other names: short protein forms T3984N.
Identifiers: ClinVar variation 5027447 (VCV005027447.1), dbSNP rs1558560008.
Genomic context (GRCh38, chr2:21,004,405, plus strand): 5'-GGGGAGGCTGCTGAGGTGGAGATGCCTTTCTTGTCTTTCTGGTAGCGCAGATGGAGATCG[G>T]TGAACGCTGGGCTTTTGATATTGAGGTGCGCTTTTCCTTCCCATTCCCTGAAAGCAGAAA-3'
Protein context (NP_000375.3, residues 3974-3994): AHLNIKSPAF[Thr3984Asn]DLHLRYQKDK